The following is an entry in ClinVar:

NM_001378454.1(ALMS1):c.11366G>A (p.Arg3789Gln)

Gene: ALMS1 (ALMS1 centrosome and basal body associated protein; plus strand). Cytogenetic location: 2p13.1.
Variant type: single nucleotide variant.
Coding change: c.11366G>A on transcript NM_001378454.1 (MANE Select); coding-DNA position 11366, G replaced by A.
Protein change: p.Arg3789Gln; replaces arginine 3789 with glutamine.
Molecular consequence: missense variant.
Genome position (GRCh38, 1-based): chr2:73,573,243, G>A. VCF-style: chr2-73573243-G-A. GRCh37 (hg19) VCF-style: chr2-73800370-G-A.
Other names: c.11369G>A, p.Arg3790Gln (NM_015120.4); short protein forms R3789Q, R3790Q.
Identifiers: ClinVar variation 1368640 (VCV001368640.4), dbSNP rs1167052698, ClinGen allele CA347289307.
Genomic context (GRCh38, chr2:73,573,243, plus strand): 5'-CAGATAGAGAGGTGGCTCTGCACGAAAGGAGTAGCTCTGTTTCCACTATTGACACTGCCC[G>A]GCTGATTCAAGCTTTTGGCCATGAAAGAGTATGCTTGTCACCCAGACGAATTAAATTATA-3'
Protein context (NP_001365383.1, residues 3779-3799): SSSVSTIDTA[Arg3789Gln]LIQAFGHERV

ClinVar aggregate classification (germline): Uncertain significance (1 of 4 stars; one submission).

Conditions:
Alstrom syndrome (ALMS). Identifiers: Orphanet 64, MedGen C0268425, MONDO:0008763, OMIM 203800.

Allele frequency attached by ClinVar (database versions not stated): gnomAD exomes below 0.00001.
gnomAD v4.1: 3 of 1,613,668 alleles (0.00019%); highest among the groups gnomAD compares: South Asian, 0.0022%; no homozygotes.

Submission:

Labcorp Genetics (formerly Invitae), Labcorp
Classification: Uncertain significance for Alstrom syndrome. Last evaluated: 2025-12-15. Review status: criteria provided, single submitter. Criteria: Invitae Variant Classification Sherloc (09022015). Collection method: clinical testing. Allele origin: germline.
Comment: This sequence change replaces arginine, which is basic and polar, with glutamine, which is neutral and polar, at codon 3790 of the ALMS1 protein (p.Arg3790Gln). This variant is present in population databases (no rsID available, gnomAD 0.003%). This variant has not been reported in the literature in individuals affected with ALMS1-related conditions. ClinVar contains an entry for this variant (Variation ID: 1368640). Experimental studies and prediction algorithms are not available or were not evaluated, and the functional significance of this variant is currently unknown. In summary, the available evidence is currently insufficient to determine the role of this variant in disease. Therefore, it has been classified as a Variant of Uncertain Significance.